The following is an entry in ClinVar:

ClinVar aggregate classification (germline): Uncertain significance. Review status: criteria provided, multiple submitters, no conflicts (2 of 4 stars). 2 submissions from 2 submitters: Uncertain significance (2). Last evaluated 2024-10-09.

Conditions:
Inborn genetic diseases. Identifiers: MedGen C0950123, MeSH D030342.

Allele frequency attached by ClinVar (database versions not stated): ExAC 0.00002; gnomAD exomes 0.00002; gnomAD 0.00006; TOPMed 0.00008.
gnomAD v4.1: 12 of 1,612,676 alleles (0.00074%); highest among the groups gnomAD compares: African/African-American, 0.016%; no homozygotes.

Submissions (2):

Ambry Genetics
Classification: Uncertain significance for Inborn genetic diseases. Last evaluated: 2024-10-09. Review status: criteria provided, single submitter. Criteria: Ambry Variant Classification Scheme 2023. Collection method: clinical testing. Allele origin: germline.

Labcorp Genetics (formerly Invitae), Labcorp
Classification: Uncertain significance. Last evaluated: 2022-05-24. Review status: criteria provided, single submitter. Criteria: Invitae Variant Classification Sherloc (09022015). Collection method: clinical testing. Allele origin: germline.
Comment: This sequence change replaces alanine, which is neutral and non-polar, with serine, which is neutral and polar, at codon 486 of the PNPT1 protein (p.Ala486Ser). This variant is present in population databases (rs753018790, gnomAD 0.03%). This variant has not been reported in the literature in individuals affected with PNPT1-related conditions. Advanced modeling of protein sequence and biophysical properties (such as structural, functional, and spatial information, amino acid conservation, physicochemical variation, residue mobility, and thermodynamic stability) performed at Invitae indicates that this missense variant is expected to disrupt PNPT1 protein function. In summary, the available evidence is currently insufficient to determine the role of this variant in disease. Therefore, it has been classified as a Variant of Uncertain Significance.

NM_033109.5(PNPT1):c.1456G>T (p.Ala486Ser)

Gene: PNPT1 (polyribonucleotide nucleotidyltransferase 1; minus strand). Cytogenetic location: 2p16.1.
Variant type: single nucleotide variant.
Coding change: c.1456G>T on transcript NM_033109.5 (MANE Select); coding-DNA position 1456, G replaced by T.
Protein change: p.Ala486Ser; replaces alanine 486 with serine.
Molecular consequence: missense variant.
Genome position (GRCh38, 1-based): chr2:55,654,939, C>A on the plus strand (G>T on the coding strand, the complement: PNPT1 is on the minus strand). VCF-style: chr2-55654939-C-A. GRCh37 (hg19) VCF-style: chr2-55882074-C-A.
Other names: c.1456G>T (NM_033109.3); short protein forms A486S.
Identifiers: ClinVar variation 1474256 (VCV001474256.6), dbSNP rs753018790, ClinGen allele CA1668065.